The following is an entry in ClinVar:

ClinVar aggregate classification (germline): Uncertain significance. Review status: criteria provided, multiple submitters, no conflicts (2 of 4 stars). 7 submissions from 7 submitters: Uncertain significance (7). Last evaluated 2025-12-08.

Conditions:
Hereditary cancer-predisposing syndrome. Also called: Hereditary Cancer Syndrome; Neoplastic Syndromes, Hereditary; Hereditary neoplastic syndrome; Tumor predisposition. Identifiers: Orphanet 140162, MedGen C0027672, MeSH D009386, MONDO:0015356.
Familial thoracic aortic aneurysm and aortic dissection (TAAD). Also called: Thoracic aortic aneurysms and dissections. Identifiers: Orphanet 91387, MedGen C4707243, MONDO:0019625.
Carcinoma of pancreas. Also called: PANCREATIC ACINAR CARCINOMA; PANCREATIC CARCINOMA; Pancreatic cancer, somatic; Pancreatic carcinoma, somatic; Exocrine pancreatic carcinoma. Identifiers: Orphanet 1333, Orphanet 217074, MedGen C0235974, MONDO:0005192. Disease mechanism: loss of function.
Juvenile polyposis syndrome (JPS). Identifiers: Orphanet 2929, MedGen C0345893, MONDO:0017380, OMIM 174900.
Myhre syndrome (MYHRS). Also called: LARYNGOTRACHEAL STENOSIS, ARTHROPATHY, PROGNATHISM, AND SHORT STATURE; LAPS SYNDROME. Identifiers: Orphanet 2588, MedGen C0796081, MONDO:0007688, OMIM 139210.
Juvenile polyposis/hereditary hemorrhagic telangiectasia syndrome (JPHT). Also called: JP/HHT SYNDROME; JUVENILE POLYPOSIS WITH HEREDITARY HEMORRHAGIC TELANGIECTASIA; POLYPOSIS, GENERALIZED JUVENILE, WITH PULMONARY ARTERIOVENOUS MALFORMATION; TELANGIECTASIA, HEREDITARY HEMORRHAGIC, WITH JUVENILE POLYPOSIS COLI; Juvenile Polyposis Syndrome / Hereditary Hemorrhagic Telangiectasia (JPS/HHT). Identifiers: Orphanet 2929, MedGen C1832942, MONDO:0008278, OMIM 175050.

Allele frequency attached by ClinVar (database versions not stated): gnomAD exomes below 0.00001; TOPMed below 0.00001; gnomAD 0.00001.
gnomAD v4.1: 2 of 1,614,008 alleles (0.00012%); highest among the groups gnomAD compares: Non-Finnish European, 0.00017%; no homozygotes.

Submissions (7):

Ambry Genetics
Classification: Uncertain significance for Hereditary cancer-predisposing syndrome; Familial thoracic aortic aneurysm and aortic dissection. Last evaluated: 2025-12-08. Review status: criteria provided, single submitter. Criteria: Ambry Variant Classification Scheme 2023. Collection method: clinical testing. Allele origin: germline.
Comment: The p.Y276F variant (also known as c.827A>T), located in coding exon 6 of the SMAD4 gene, results from an A to T substitution at nucleotide position 827. The tyrosine at codon 276 is replaced by phenylalanine, an amino acid with highly similar properties. This amino acid position is conserved. In addition, this alteration is predicted to be tolerated by in silico analysis. Since supporting evidence is limited at this time, the clinical significance of this alteration remains unclear.

Color Diagnostics, LLC DBA Color Health
Classification: Uncertain significance for Hereditary cancer-predisposing syndrome. Last evaluated: 2025-09-11. Review status: criteria provided, single submitter. Criteria: ACMG Guidelines, 2015. Collection method: clinical testing. Allele origin: germline.
Comment: This missense variant replaces tyrosine with phenylalanine at codon 276 of the SMAD4 protein. Computational prediction suggests that this variant may not impact protein structure and function. To our knowledge, functional studies have not been reported for this variant. This variant has not been reported in individuals affected with SMAD4-related disorders in the literature. This variant has not been identified in the general population by the Genome Aggregation Database (gnomAD). The available evidence is insufficient to determine the role of this variant in disease conclusively. Therefore, this variant is classified as a Variant of Uncertain Significance.

Center for Genomic Medicine, Rigshospitalet, Copenhagen University Hospital
Classification: Uncertain significance. Last evaluated: 2025-03-04. Review status: criteria provided, single submitter. Criteria: ACMG Guidelines, 2015. Collection method: clinical testing. Allele origin: germline.

Labcorp Genetics (formerly Invitae), Labcorp
Classification: Uncertain significance for Juvenile polyposis syndrome. Last evaluated: 2024-11-27. Review status: criteria provided, single submitter. Criteria: Invitae Variant Classification Sherloc (09022015). Collection method: clinical testing. Allele origin: germline.
Comment: This sequence change replaces tyrosine, which is neutral and polar, with phenylalanine, which is neutral and non-polar, at codon 276 of the SMAD4 protein (p.Tyr276Phe). This variant is not present in population databases (gnomAD no frequency). This variant has not been reported in the literature in individuals affected with SMAD4-related conditions. ClinVar contains an entry for this variant (Variation ID: 1003211). Invitae Evidence Modeling of protein sequence and biophysical properties (such as structural, functional, and spatial information, amino acid conservation, physicochemical variation, residue mobility, and thermodynamic stability) indicates that this missense variant is not expected to disrupt SMAD4 protein function with a negative predictive value of 95%. In summary, the available evidence is currently insufficient to determine the role of this variant in disease. Therefore, it has been classified as a Variant of Uncertain Significance.

All of Us Research Program, National Institutes of Health
Classification: Uncertain significance for Juvenile polyposis/hereditary hemorrhagic telangiectasia syndrome. Last evaluated: 2023-02-10. Review status: criteria provided, single submitter. Criteria: ACMG Guidelines, 2015. Collection method: clinical testing. Allele origin: germline. Inheritance: Autosomal dominant inheritance. Observed: 1 variant allele, 1 heterozygote.
Comment: This study involves interpretation of variants in research participants for the purpose of population health screening. Participant phenotype was not available at the time of variant classification. Additional details can be found in publication PMID: 35346344, PMCID: PMC8962531

ARUP Laboratories, Molecular Genetics and Genomics, ARUP Laboratories
Classification: Uncertain significance. Last evaluated: 2022-10-20. Review status: criteria provided, single submitter. Criteria: ARUP Molecular Germline Variant Investigation Process 2021. Collection method: clinical testing. Allele origin: germline.
Comment: The SMAD4 c.827A>T; p.Tyr276Phe variant (rs1229812463), to our knowledge, is not reported in the medical literature but is reported in ClinVar (Variation ID: 1003211). This variant is absent from the Genome Aggregation Database, indicating it is not a common polymorphism. The tyrosine at codon 276 is moderately conserved, and computational analyses predict that this variant is neutral (REVEL: 0.145). Due to limited information, the clinical significance of the p.Tyr276Phe variant is uncertain at this time.

Fulgent Genetics
Classification: Uncertain significance for Myhre syndrome; Juvenile polyposis syndrome; Juvenile polyposis/hereditary hemorrhagic telangiectasia syndrome; Familial pancreatic carcinoma. Last evaluated: 2022-03-15. Review status: criteria provided, single submitter. Criteria: ACMG Guidelines, 2015. Collection method: clinical testing. Allele origin: unknown.

NM_005359.6(SMAD4):c.827A>T (p.Tyr276Phe)

Gene: SMAD4 (SMAD family member 4; plus strand). Cytogenetic location: 18q21.2.
Variant type: single nucleotide variant.
Coding change: c.827A>T on transcript NM_005359.6 (MANE Select); coding-DNA position 827, A replaced by T.
Protein change: p.Tyr276Phe; replaces tyrosine 276 with phenylalanine.
Molecular consequence: missense variant.
Genome position (GRCh38, 1-based): chr18:51,058,379, A>T. VCF-style: chr18-51058379-A-T. GRCh37 (hg19) VCF-style: chr18-48584749-A-T.
Other names: c.827A>T (NM_005359.5); short protein forms Y276F.
Identifiers: ClinVar variation 1003211 (VCV001003211.18), dbSNP rs1229812463, ClinGen allele CA402463408.
Genomic context (GRCh38, chr18:51,058,379, plus strand): 5'-CATGTGGGCCTTAATTTTTAGACAGCACTACCACCTGGACTGGAAGTAGGACTGCACCAT[A>T]CACACCTAATTTGCCTCACCACCAAAACGGCCATCTTCAGCACCACCCGCCTATGCCGCC-3'
Protein context (NP_005350.1, residues 266-286): TTWTGSRTAP[Tyr276Phe]TPNLPHHQNG